The following is an entry in ClinVar:

ClinVar aggregate classification (germline): Uncertain significance (1 of 4 stars; one submission).

Conditions:
Inborn genetic diseases. Identifiers: MedGen C0950123, MeSH D030342.

Submission:

Ambry Genetics
Classification: Uncertain significance for Inborn genetic diseases. Last evaluated: 2023-10-20. Review status: criteria provided, single submitter. Criteria: Ambry Variant Classification Scheme 2023. Collection method: clinical testing. Allele origin: germline.
Comment: The p.T406A variant (also known as c.1216A>G), located in coding exon 9 of the EPAS1 gene, results from an A to G substitution at nucleotide position 1216. The threonine at codon 406 is replaced by alanine, an amino acid with similar properties. This amino acid position is conserved. In addition, this alteration is predicted to be tolerated by in silico analysis. Since supporting evidence is limited at this time, the clinical significance of this alteration remains unclear.

NM_001430.5(EPAS1):c.1216A>G (p.Thr406Ala)

Gene: EPAS1 (endothelial PAS domain protein 1; plus strand). Cytogenetic location: 2p21.
Variant type: single nucleotide variant.
Coding change: c.1216A>G on transcript NM_001430.5 (MANE Select); coding-DNA position 1216, A replaced by G.
Protein change: p.Thr406Ala; replaces threonine 406 with alanine.
Molecular consequence: missense variant.
Genome position (GRCh38, 1-based): chr2:46,376,720, A>G. VCF-style: chr2-46376720-A-G. GRCh37 (hg19) VCF-style: chr2-46603859-A-G.
Other names: short protein forms T406A.
Identifiers: ClinVar variation 3221530 (VCV003221530.1), dbSNP rs1044446929, ClinGen allele CA46562336.